The following is an entry in ClinVar:

ClinVar aggregate classification (germline): Uncertain significance. Review status: criteria provided, multiple submitters, no conflicts (2 of 4 stars). 2 submissions from 2 submitters: Uncertain significance (2). Last evaluated 2026-02-01.

Allele frequency attached by ClinVar (database versions not stated): gnomAD exomes 0.00007 and 0.00014; gnomAD 0.00008 and 0.00009; TOPMed 0.00009; ExAC 0.00010; ESP Exome Variant Server 0.00031.
gnomAD v4.1: 216 of 1,614,138 alleles (0.013%); highest among the groups gnomAD compares: Non-Finnish European, 0.017%; no homozygotes.

Submissions (2):

Labcorp Genetics (formerly Invitae), Labcorp
Classification: Uncertain significance. Last evaluated: 2026-02-01. Review status: criteria provided, single submitter. Criteria: Invitae Variant Classification Sherloc (09022015). Collection method: clinical testing. Allele origin: germline.
Comment: This sequence change falls in intron 29 of the MYH3 gene. It does not directly change the encoded amino acid sequence of the MYH3 protein. It affects a nucleotide within the consensus splice site. This variant is present in population databases (rs200078403, gnomAD 0.02%). This variant has not been reported in the literature in individuals affected with MYH3-related conditions. ClinVar contains an entry for this variant (Variation ID: 435912). Variants that disrupt the consensus splice site are a relatively common cause of aberrant splicing (PMID: 17576681, 9536098). Algorithms developed to predict the effect of sequence changes on RNA splicing suggest that this variant is not likely to affect RNA splicing. In summary, the available evidence is currently insufficient to determine the role of this variant in disease. Therefore, it has been classified as a Variant of Uncertain Significance.

Genetic Services Laboratory, University of Chicago
Classification: Uncertain significance. Last evaluated: 2017-01-03. Review status: criteria provided, single submitter. Criteria: ACMG Guidelines, 2015. Collection method: clinical testing. Allele origin: germline. Affected: no.

Literature cited by the submitters: PubMed 17576681 (cited by Labcorp Genetics (formerly Invitae), Labcorp); PubMed 9536098 (cited by Labcorp Genetics (formerly Invitae), Labcorp).

NM_002470.4(MYH3):c.3976-3C>T

Gene: MYH3 (myosin heavy chain 3; minus strand). Cytogenetic location: 17p13.1.
Variant type: single nucleotide variant.
Coding change: c.3976-3C>T on transcript NM_002470.4 (MANE Select); 3 bases into the intron before coding-DNA position 3976, C replaced by T.
Molecular consequence: intron variant.
Genome position (GRCh38, 1-based): chr17:10,635,566, G>A on the plus strand (C>T on the coding strand, the complement: MYH3 is on the minus strand). VCF-style: chr17-10635566-G-A. GRCh37 (hg19) VCF-style: chr17-10538883-G-A.
Identifiers: ClinVar variation 435912 (VCV000435912.13), dbSNP rs200078403, ClinGen allele CA8392341.